The following is an entry in ClinVar:

NM_005732.4(RAD50):c.2294A>G (p.Lys765Arg)

Gene: RAD50 (RAD50 double strand break repair protein; plus strand). Cytogenetic location: 5q31.1.
Variant type: single nucleotide variant.
Coding change: c.2294A>G on transcript NM_005732.4 (MANE Select); coding-DNA position 2294, A replaced by G.
Protein change: p.Lys765Arg; replaces lysine 765 with arginine.
Molecular consequence: missense variant.
Genome position (GRCh38, 1-based): chr5:132,603,386, A>G. VCF-style: chr5-132603386-A-G. GRCh37 (hg19) VCF-style: chr5-131939078-A-G.
Other names: short protein forms K765R.
Identifiers: ClinVar variation 142594 (VCV000142594.14), dbSNP rs587782573, ClinGen allele CA168777.

ClinVar aggregate classification (germline): Uncertain significance. Review status: criteria provided, multiple submitters, no conflicts (2 of 4 stars). 3 submissions from 3 submitters: Uncertain significance (3). Last evaluated 2025-08-18.

Conditions:
Hereditary cancer-predisposing syndrome. Also called: Hereditary Cancer Syndrome; Neoplastic Syndromes, Hereditary; Hereditary neoplastic syndrome; Tumor predisposition. Identifiers: Orphanet 140162, MedGen C0027672, MeSH D009386, MONDO:0015356.
Nijmegen breakage syndrome-like disorder (NBSLD). Also called: MICROCEPHALY AND SPONTANEOUS CHROMOSOME INSTABILITY WITHOUT IMMUNODEFICIENCY; NBS-LIKE DISORDER; RAD50 DEFICIENCY. Identifiers: Orphanet 240760, MedGen C2751318, MONDO:0013118, OMIM 613078.

Allele frequency attached by ClinVar (database versions not stated): gnomAD exomes below 0.00001 and 0.00001; ExAC 0.00001; gnomAD 0.00001.
gnomAD v4.1: 4 of 1,613,790 alleles (0.00025%); highest among the groups gnomAD compares: Non-Finnish European, 0.00034%; no homozygotes.

Submissions (3):

Labcorp Genetics (formerly Invitae), Labcorp
Classification: Uncertain significance for Hereditary cancer-predisposing syndrome. Last evaluated: 2025-08-18. Review status: criteria provided, single submitter. Criteria: Invitae Variant Classification Sherloc (09022015). Collection method: clinical testing. Allele origin: germline.
Comment: This sequence change replaces lysine, which is basic and polar, with arginine, which is basic and polar, at codon 765 of the RAD50 protein (p.Lys765Arg). This variant is present in population databases (rs587782573, gnomAD 0.003%). This variant has not been reported in the literature in individuals affected with RAD50-related conditions. ClinVar contains an entry for this variant (Variation ID: 142594). Invitae Evidence Modeling of protein sequence and biophysical properties (such as structural, functional, and spatial information, amino acid conservation, physicochemical variation, residue mobility, and thermodynamic stability) indicates that this missense variant is not expected to disrupt RAD50 protein function with a negative predictive value of 80%. In summary, the available evidence is currently insufficient to determine the role of this variant in disease. Therefore, it has been classified as a Variant of Uncertain Significance.

Fulgent Genetics
Classification: Uncertain significance for Nijmegen breakage syndrome-like disorder. Last evaluated: 2024-04-28. Review status: criteria provided, single submitter. Criteria: ACMG Guidelines, 2015. Collection method: clinical testing. Allele origin: germline.

Ambry Genetics
Classification: Uncertain significance for Hereditary cancer-predisposing syndrome. Last evaluated: 2023-11-15. Review status: criteria provided, single submitter. Criteria: Ambry Variant Classification Scheme 2023. Collection method: clinical testing. Allele origin: germline.
Comment: The p.K765R variant (also known as c.2294A>G), located in coding exon 14 of the RAD50 gene, results from an A to G substitution at nucleotide position 2294. The lysine at codon 765 is replaced by arginine, an amino acid with highly similar properties. This amino acid position is highly conserved in available vertebrate species. In addition, the in silico prediction for this alteration is inconclusive. Since supporting evidence is limited at this time, the clinical significance of this alteration remains unclear.